The following is an entry in ClinVar:

ClinVar aggregate classification (germline): Conflicting classifications of pathogenicity. Review status: criteria provided, conflicting classifications (1 of 4 stars). 3 submissions from 3 submitters: Pathogenic (1); Likely pathogenic (1); Uncertain significance (1). Last evaluated 2026-09-09.

Conditions:
Sulfite oxidase deficiency due to molybdenum cofactor deficiency type A. Also called: Molybdenum cofactor deficiency, complementation group A; Molybdenum Cofactor Deficiency A. Identifiers: Orphanet 308386, Orphanet 833, MedGen C1854988, MONDO:0009643, OMIM 252150.
Inborn genetic diseases. Identifiers: MedGen C0950123, MeSH D030342.

Allele frequency attached by ClinVar (database versions not stated): gnomAD exomes below 0.00001 and 0.00001; gnomAD 0.00001; TOPMed 0.00001.
gnomAD v4.1: 15 of 1,612,740 alleles (0.00093%); highest among the groups gnomAD compares: Non-Finnish European, 0.0013%; no homozygotes.

Submissions (4):

Ambry Genetics
Classification: Uncertain significance for Inborn genetic diseases. Last evaluated: 2026-09-09. Review status: criteria provided, single submitter. Criteria: Ambry Variant Classification Scheme 2023. Collection method: clinical testing. Allele origin: germline.
Comment: The c.1102+2T>C intronic alteration consists of a T to C substitution two nucleotides after exon 8 (coding exon 8) of the MOCS1 gene. Variants that disrupt the canonical splice site are expected to cause aberrant splicing, resulting in an abnormal protein or a transcript that is subject to nonsense-mediated mRNA decay; however, +2T>C variants are capable of generating wild-type transcripts in some genomic contexts and should be interpreted with caution (Lin, 2019). Based on data from gnomAD, the C allele has an overall frequency of <0.001% (1/250656) total alleles studied. The highest observed frequency was 0.001% (1/113736) of European (non-Finnish) alleles. This nucleotide position is highly conserved in available vertebrate species. In silico splice site analysis predicts that this alteration may weaken the native splice donor site. Based on insufficient or conflicting evidence, the clinical significance of this alteration remains unclear.

Labcorp Genetics (formerly Invitae), Labcorp
Classification: Pathogenic for Sulfite oxidase deficiency due to molybdenum cofactor deficiency type A. Last evaluated: 2025-04-14. Review status: criteria provided, single submitter. Criteria: Invitae Variant Classification Sherloc (09022015). Collection method: clinical testing. Allele origin: germline.
Comment: This sequence change affects a donor splice site in intron 9 of the MOCS1 gene. While this variant is not anticipated to result in nonsense mediated decay, it likely alters RNA splicing and results in a disrupted protein product. This variant is present in population databases (no rsID available, gnomAD 0.0009%). Disruption of this splice site has been observed in individuals with molybdenum cofactor deficiency (PMID: 9921896, 27289259). ClinVar contains an entry for this variant (Variation ID: 1511609). Variants that disrupt the consensus splice site are a relatively common cause of aberrant splicing (PMID: 17576681, 9536098). This variant disrupts a region of the MOCS1 protein in which other variant(s) (p.Glu503Alafs*103) have been determined to be pathogenic (PMID: 9731530, 9921896). This suggests that this is a clinically significant region of the protein, and that variants that disrupt it are likely to be disease-causing. For these reasons, this variant has been classified as Pathogenic.

Baylor Genetics
Classification: Likely pathogenic for Sulfite oxidase deficiency due to molybdenum cofactor deficiency type A. Last evaluated: 2023-06-29. Review status: criteria provided, single submitter. Criteria: ACMG Guidelines, 2015. Collection method: clinical testing. Allele origin: unknown.

Dr. Peter K. Rogan Lab, Western University
No classification provided (evidence only). Condition: Thyroid cancer, nonmedullary, 1. Review status: no classification provided. Collection method: in vitro. Allele origin: not applicable. Functional consequence: retained intron. Not counted in ClinVar's aggregate classification.

Literature cited by the submitters: PubMed 9921896 (cited by Labcorp Genetics (formerly Invitae), Labcorp); PubMed 27289259 (cited by Labcorp Genetics (formerly Invitae), Labcorp); PubMed 17576681 (cited by Labcorp Genetics (formerly Invitae), Labcorp); PubMed 9536098 (cited by Labcorp Genetics (formerly Invitae), Labcorp); PubMed 9731530 (cited by Labcorp Genetics (formerly Invitae), Labcorp).

NM_001358530.2(MOCS1):c.1102+2T>C

Gene: MOCS1 (molybdenum cofactor synthesis 1; minus strand). Cytogenetic location: 6p21.2.
Variant type: single nucleotide variant.
Coding change: c.1102+2T>C on transcript NM_001358530.2 (MANE Select); the canonical splice donor site of the intron after coding-DNA position 1102, T replaced by C.
Molecular consequence: splice donor variant.
Genome position (GRCh38, 1-based): chr6:39,909,833, A>G on the plus strand (T>C on the coding strand, the complement: MOCS1 is on the minus strand). VCF-style: chr6-39909833-A-G. GRCh37 (hg19) VCF-style: chr6-39877577-A-G.
Other names: c.841+2T>C (NM_001358531.2, NM_001358533.2, NM_001358534.2); c.1102+2T>C (NM_001358529.2, NM_001075098.4, NM_005943.6 and 1 more transcripts).
Identifiers: ClinVar variation 1511609 (VCV001511609.9), dbSNP rs1345407391, ClinGen allele CA364042005.
Genomic context (GRCh38, chr6:39,909,833, plus strand): 5'-CCTCCCTCCCAGGGACAAGGCCCACTCACCATCCAGGCCAGCCCTCCCCACCCTGCACTT[A>G]CCTGCATGCTGCCGCTTCTTCCTGCCCACAGCAGCCCCAATGATTCTCAGCAGCTCCTGC-3'